The following is an entry in ClinVar:

NM_000388.4(CASR):c.1592G>C (p.Ser531Thr)

Gene: CASR (calcium sensing receptor; plus strand). Cytogenetic location: 3q21.1.
Variant type: single nucleotide variant.
Coding change: c.1592G>C on transcript NM_000388.4 (MANE Select); coding-DNA position 1592, G replaced by C.
Protein change: p.Ser531Thr; replaces serine 531 with threonine.
Molecular consequence: missense variant.
Genome position (GRCh38, 1-based): chr3:122,276,026, G>C. VCF-style: chr3-122276026-G-C. GRCh37 (hg19) VCF-style: chr3-121994873-G-C.
Other names: c.1592G>C, p.Ser531Thr (NM_001178065.2); short protein forms S531T.
Identifiers: ClinVar variation 2934112 (VCV002934112.3), dbSNP rs764669682, ClinGen allele CA354155558.

ClinVar aggregate classification (germline): Uncertain significance (1 of 4 stars; one submission).

Conditions:
Autosomal dominant hypocalcemia 1 (HYPOC1). Also called: HYPOCALCEMIA, FAMILIAL. Identifiers: MedGen C3715128, MONDO:0011013, OMIM 601198.
Familial hypocalciuric hypercalcemia (FHH). Also called: Familial benign hypercalcemia. Identifiers: Orphanet 405, MedGen C1809471, MONDO:0018458.

Submission:

Labcorp Genetics (formerly Invitae), Labcorp
Classification: Uncertain significance for Familial hypocalciuric hypercalcemia; Autosomal dominant hypocalcemia 1. Last evaluated: 2023-08-09. Review status: criteria provided, single submitter. Criteria: Invitae Variant Classification Sherloc (09022015). Collection method: clinical testing. Allele origin: germline.
Comment: This sequence change replaces serine, which is neutral and polar, with threonine, which is neutral and polar, at codon 531 of the CASR protein (p.Ser531Thr). This variant is not present in population databases (gnomAD no frequency). This variant has not been reported in the literature in individuals affected with CASR-related conditions. An algorithm developed to predict the effect of missense changes on protein structure and function (PolyPhen-2) suggests that this variant is likely to be tolerated. In summary, the available evidence is currently insufficient to determine the role of this variant in disease. Therefore, it has been classified as a Variant of Uncertain Significance.